The following is an entry in ClinVar:

ClinVar aggregate classification (germline): Uncertain significance (1 of 4 stars; one submission).

Conditions:
Inborn genetic diseases. Identifiers: MedGen C0950123, MeSH D030342.

gnomAD v4.1: 1 of 1,612,302 alleles (0.000062%); highest among the groups gnomAD compares: Non-Finnish European, 0.000085%; no homozygotes.

Submission:

Ambry Genetics
Classification: Uncertain significance for Inborn genetic diseases. Last evaluated: 2020-08-18. Review status: criteria provided, single submitter. Criteria: Ambry Variant Classification Scheme 2023. Collection method: clinical testing. Allele origin: germline.
Comment: The p.S168R variant (also known as c.502A>C), located in coding exon 6 of the FIG4 gene, results from an A to C substitution at nucleotide position 502. The serine at codon 168 is replaced by arginine, an amino acid with dissimilar properties. This amino acid position is highly conserved in available vertebrate species. In addition, this alteration is predicted to be deleterious by in silico analysis. Since supporting evidence is limited at this time, the clinical significance of this alteration remains unclear.

NM_014845.6(FIG4):c.502A>C (p.Ser168Arg)

Gene: FIG4 (FIG4 phosphoinositide 5-phosphatase; plus strand). Cytogenetic location: 6q21.
Variant type: single nucleotide variant.
Coding change: c.502A>C on transcript NM_014845.6 (MANE Select); coding-DNA position 502, A replaced by C.
Protein change: p.Ser168Arg; replaces serine 168 with arginine.
Molecular consequence: missense variant.
Genome position (GRCh38, 1-based): chr6:109,735,154, A>C. VCF-style: chr6-109735154-A-C. GRCh37 (hg19) VCF-style: chr6-110056357-A-C.
Other names: short protein forms S168R.
Identifiers: ClinVar variation 1744876 (VCV001744876.2), dbSNP rs2486121502, ClinGen allele CA365219024.
Genomic context (GRCh38, chr6:109,735,154, plus strand): 5'-ACCATGAAATATGCTTTGCTTTTGTAATTCTTATTAAGTTTCAATTCTGTTCTCAGTTAC[A>C]GCTATGATTTGTCCCACTCACTTCAATATAATCTCACTGTCTTGCGAATGCCCCTGGAGA-3'
Protein context (NP_055660.1, residues 158-178): DLSSNFYFSY[Ser168Arg]YDLSHSLQYN